The following is an entry in ClinVar:

ClinVar aggregate classification (germline): Uncertain significance (1 of 4 stars; one submission).

Conditions:
Juvenile polyposis syndrome (JPS). Identifiers: Orphanet 2929, MedGen C0345893, MONDO:0017380, OMIM 174900.

Submission:

Labcorp Genetics (formerly Invitae), Labcorp
Classification: Uncertain significance for Juvenile polyposis syndrome. Last evaluated: 2021-08-04. Review status: criteria provided, single submitter. Criteria: Invitae Variant Classification Sherloc (09022015). Collection method: clinical testing. Allele origin: germline.
Comment: This variant occurs in a non-coding region of the BMPR1A gene. It does not change the encoded amino acid sequence of the BMPR1A protein. This variant has not been reported in the literature in individuals affected with BMPR1A-related conditions. Experimental studies and prediction algorithms are not available or were not evaluated, and the functional significance of this variant is currently unknown. In summary, the available evidence is currently insufficient to determine the role of this variant in disease. Therefore, it has been classified as a Variant of Uncertain Significance.

NC_000010.10:g.(?_88598623)_(88603267_?)dup

Gene: BMPR1A (bone morphogenetic protein receptor type 1A; plus strand). Cytogenetic location: 10q23.2.
Variant type: Duplication.
Identifiers: ClinVar variation 1411145 (VCV001411145.4).